The following is an entry in ClinVar:

ClinVar aggregate classification (germline): Pathogenic. Review status: criteria provided, multiple submitters, no conflicts (2 of 4 stars). 10 submissions from 10 submitters: Pathogenic (7). 3 of the submissions do not count toward it. Last evaluated 2025-03-25.

Conditions:
Autosomal recessive nonsyndromic hearing loss 2. Also called: NEUROSENSORY NONSYNDROMIC RECESSIVE DEAFNESS 2; DEAFNESS, AUTOSOMAL RECESSIVE 2. Identifiers: Orphanet 90636, MedGen C1838701, MONDO:0010807, OMIM 600060.
Usher syndrome type 1 (USH1). Also called: RETINITIS PIGMENTOSA AND CONGENITAL DEAFNESS. Identifiers: Orphanet 231169, Orphanet 886, MedGen C1568247, MONDO:0010168, OMIM 276900.
Usher syndrome type 1B (USH1B). Also called: Usher syndrome type IB. Identifiers: MedGen C1848638, MONDO:0700087.
Rare genetic deafness. Identifiers: Orphanet 96210, MedGen C5680250.

Allele frequency attached by ClinVar (database versions not stated): gnomAD exomes below 0.00001; gnomAD 0.00001.
gnomAD v4.1: 4 of 1,613,444 alleles (0.00025%); highest among the groups gnomAD compares: African/African-American, 0.004%; no homozygotes.

Submissions (10):

3billion
Classification: Pathogenic for Usher syndrome type 1. Last evaluated: 2025-03-25. Review status: criteria provided, single submitter. Criteria: ACMG Guidelines, 2015. Collection method: clinical testing. Allele origin: germline. Affected: yes.

Genomic Medicine Center of Excellence, King Faisal Specialist Hospital and Research Centre
Classification: Pathogenic for Usher syndrome type 1. Last evaluated: 2024-12-18. Review status: criteria provided, single submitter. Criteria: ACMG Guidelines, 2015. Collection method: clinical testing. Allele origin: germline.

Revvity Omics, Revvity
Classification: Pathogenic. Last evaluated: 2024-07-26. Review status: criteria provided, single submitter. Criteria: ACMG Guidelines, 2015. Collection method: clinical testing. Allele origin: germline.

Labcorp Genetics (formerly Invitae), Labcorp
Classification: Pathogenic. Last evaluated: 2023-04-28. Review status: criteria provided, single submitter. Criteria: Invitae Variant Classification Sherloc (09022015). Collection method: clinical testing. Allele origin: germline.
Comment: For these reasons, this variant has been classified as Pathogenic. Algorithms developed to predict the effect of sequence changes on RNA splicing suggest that this variant may disrupt the consensus splice site. ClinVar contains an entry for this variant (Variation ID: 177712). Disruption of this splice site has been observed in individuals with Usher syndrome (PMID: 9382091, 27440999). It has also been observed to segregate with disease in related individuals. This variant is present in population databases (rs797044510, gnomAD 0.02%). This sequence change affects a donor splice site in intron 5 of the MYO7A gene. It is expected to disrupt RNA splicing. Variants that disrupt the donor or acceptor splice site typically lead to a loss of protein function (PMID: 16199547), and loss-of-function variants in MYO7A are known to be pathogenic (PMID: 8900236, 25404053).

GeneDx
Classification: Pathogenic. Last evaluated: 2022-04-12. Review status: criteria provided, single submitter. Criteria: GeneDx Variant Classification Process June 2021. Collection method: clinical testing. Allele origin: germline. Affected: yes.
Comment: Canonical splice site variant predicted to result in a null allele in a gene for which loss of function is a known mechanism of disease; This variant is associated with the following publications: (PMID: 25525159, 27440999, 29048421, 9382091, 27766948, 30202406, 29942180, 30055715, 34194829)

Baylor Genetics
Classification: Pathogenic for Usher syndrome type 1. Last evaluated: 2019-08-27. Review status: criteria provided, single submitter. Criteria: ACMG Guidelines, 2015. Collection method: clinical testing. Allele origin: unknown. Affected: yes.
Comment: This variant was determined to be pathogenic according to ACMG Guidelines, 2015 [PMID:25741868].

Laboratory for Molecular Medicine, Mass General Brigham Personalized Medicine
Classification: Pathogenic for Rare genetic deafness. Last evaluated: 2014-08-19. Review status: criteria provided, single submitter. Criteria: LMM Criteria. Collection method: clinical testing. Allele origin: germline. Inheritance: Autosomal recessive inheritance. Observed: 1 variant allele.
Comment: The 470+1G>A variant in MYO7A has been reported in the homozygous state in one i ndividual with Usher syndrome and segregated with disease in one affected siblin g (Adato 1997). It has not been identified in large population studies. This var iant occurs in the invariant region (+/- 1/2) of the splice consensus sequence a nd is predicted to cause altered splicing leading to an abnormal or absent prote in. In summary, this variant meets our criteria to be classified as pathogenic.

Natera, Inc.
Classification: Pathogenic for Usher syndrome type 1B. Last evaluated: 2021-05-03. Review status: no assertion criteria provided. Collection method: clinical testing. Allele origin: germline. Not counted in ClinVar's aggregate classification.

Biochemical Molecular Genetic Laboratory, King Abdulaziz Medical City
Classification: Pathogenic for Usher syndrome type 1. Last evaluated: 2020-02-05. Review status: no assertion criteria provided. Collection method: clinical testing. Allele origin: germline. Affected: yes. Not counted in ClinVar's aggregate classification.

Counsyl
Classification: Pathogenic for Usher syndrome type 1; Autosomal recessive nonsyndromic hearing loss 2. Last evaluated: 2017-05-10. Review status: no assertion criteria provided. Collection method: clinical testing. Allele origin: unknown. Not counted in ClinVar's aggregate classification.

Literature cited by the submitters: PubMed 9382091 (cited by 4 submitters); PubMed 27440999 (cited by Labcorp Genetics (formerly Invitae), Labcorp); PubMed 16199547 (cited by Labcorp Genetics (formerly Invitae), Labcorp); PubMed 8900236 (cited by Labcorp Genetics (formerly Invitae), Labcorp); PubMed 25404053 (cited by Labcorp Genetics (formerly Invitae), Labcorp); PubMed 27583663 (cited by Counsyl).

NM_000260.4(MYO7A):c.470+1G>A

Gene: MYO7A (myosin VIIA; plus strand). Cytogenetic location: 11q13.5.
Variant type: single nucleotide variant.
Coding change: c.470+1G>A on transcript NM_000260.4 (MANE Select); the canonical splice donor site of the intron after coding-DNA position 470, G replaced by A.
Molecular consequence: splice donor variant.
Genome position (GRCh38, 1-based): chr11:77,156,092, G>A. VCF-style: chr11-77156092-G-A. GRCh37 (hg19) VCF-style: chr11-76867138-G-A.
Other names: c.437+1G>A (NM_001369365.1); c.470+1G>A (NM_001127180.2).
Identifiers: ClinVar variation 177712 (VCV000177712.17), dbSNP rs797044510, ClinGen allele CA278726.
Genomic context (GRCh38, chr11:77,156,092, plus strand): 5'-TGCTGACAACTGCTACTTCAACATGAAACGCAACAGCCGAGACCAGTGCTGCATCATCAG[G>A]TGGGCGGCCCAGCACCTGTGTGGAGCTCCAGGCTTAGGACCTAGAGCTCCAACTGTGCGC-3'